The following is an entry in ClinVar:

ClinVar aggregate classification (germline): Uncertain significance. Review status: criteria provided, multiple submitters, no conflicts (2 of 4 stars). 4 submissions from 4 submitters: Uncertain significance (4). Last evaluated 2024-09-23.

Conditions:
Hereditary cancer-predisposing syndrome. Also called: Hereditary neoplastic syndrome; Neoplastic Syndromes, Hereditary; Tumor predisposition; Hereditary Cancer Syndrome. Identifiers: Orphanet 140162, MedGen C0027672, MeSH D009386, MONDO:0015356.
Classic or attenuated familial adenomatous polyposis. Identifiers: MedGen CN372698, MONDO:0021057.
Familial adenomatous polyposis 1 (FAP1). Also called: FAMILIAL ADENOMATOUS POLYPOSIS 1, ATTENUATED; POLYPOSIS, ADENOMATOUS INTESTINAL. Identifiers: MedGen C2713442, MONDO:0021056, OMIM 175100. Disease mechanism: loss of function.

Allele frequency attached by ClinVar (database versions not stated): gnomAD exomes below 0.00001; gnomAD 0.00001.
gnomAD v4.1: 8 of 1,614,020 alleles (0.0005%); highest among the groups gnomAD compares: South Asian, 0.0055%; no homozygotes.

Submissions (4):

All of Us Research Program, National Institutes of Health
Classification: Uncertain significance for Classic or attenuated familial adenomatous polyposis. Last evaluated: 2024-09-23. Review status: criteria provided, single submitter. Criteria: ACMG Guidelines, 2015. Collection method: clinical testing. Allele origin: germline. Inheritance: Autosomal dominant inheritance. Observed: 1 variant allele, 1 heterozygote.
Comment: This study involves interpretation of variants in research participants for the purpose of population health screening. Participant phenotype was not available at the time of variant classification. Additional details can be found in publication PMID: 35346344, PMCID: PMC8962531

Ambry Genetics
Classification: Uncertain significance for Hereditary cancer-predisposing syndrome. Last evaluated: 2022-08-16. Review status: criteria provided, single submitter. Criteria: Ambry Variant Classification Scheme 2023. Collection method: clinical testing. Allele origin: germline.
Comment: The p.E1216D variant (also known as c.3648G>T), located in coding exon 15 of the APC gene, results from a G to T substitution at nucleotide position 3648. The glutamic acid at codon 1216 is replaced by aspartic acid, an amino acid with highly similar properties. This amino acid position is conserved. In addition, in silico predictors for this gene do not accurately predict pathogenicity. Since supporting evidence is limited at this time, the clinical significance of this alteration remains unclear.

Revvity Omics, Revvity
Classification: Uncertain significance. Last evaluated: 2022-04-06. Review status: criteria provided, single submitter. Criteria: ACMG Guidelines, 2015. Collection method: clinical testing. Allele origin: germline.

Labcorp Genetics (formerly Invitae), Labcorp
Classification: Uncertain significance for Familial adenomatous polyposis 1. Last evaluated: 2021-08-30. Review status: criteria provided, single submitter. Criteria: Invitae Variant Classification Sherloc (09022015). Collection method: clinical testing. Allele origin: germline.
Comment: This sequence change replaces glutamic acid with aspartic acid at codon 1216 of the APC protein (p.Glu1216Asp). The glutamic acid residue is moderately conserved and there is a small physicochemical difference between glutamic acid and aspartic acid. This variant is not present in population databases (ExAC no frequency). This variant has not been reported in the literature in individuals affected with APC-related conditions. Algorithms developed to predict the effect of missense changes on protein structure and function (SIFT, PolyPhen-2, Align-GVGD) all suggest that this variant is likely to be tolerated. In summary, the available evidence is currently insufficient to determine the role of this variant in disease. Therefore, it has been classified as a Variant of Uncertain Significance.

NM_000038.6(APC):c.3648G>T (p.Glu1216Asp)

Gene: APC (APC regulator of Wnt signaling pathway; plus strand). Cytogenetic location: 5q22.2.
Variant type: single nucleotide variant.
Coding change: c.3648G>T on transcript NM_000038.6 (MANE Select); coding-DNA position 3648, G replaced by T.
Protein change: p.Glu1216Asp; replaces glutamic acid 1216 with aspartic acid.
Molecular consequence: missense variant.
Genome position (GRCh38, 1-based): chr5:112,839,242, G>T. VCF-style: chr5-112839242-G-T. GRCh37 (hg19) VCF-style: chr5-112174939-G-T.
Other names: c.3648G>T, p.Glu1216Asp (NM_001127510.3, NM_001354895.2); c.3594G>T, p.Glu1198Asp (NM_001127511.3); c.3702G>T, p.Glu1234Asp (NM_001354896.2); c.3678G>T, p.Glu1226Asp (NM_001354897.2); c.3573G>T, p.Glu1191Asp (NM_001354898.2); c.3564G>T, p.Glu1188Asp (NM_001354899.2); c.3525G>T, p.Glu1175Asp (NM_001354900.2); c.3471G>T, p.Glu1157Asp (NM_001354901.2); and 5 more; short protein forms E1056D, E1090D, E1115D, E1125D, E1157D, E1175D, E1188D, E1191D.
Identifiers: ClinVar variation 1003353 (VCV001003353.13), dbSNP rs1765483030, ClinGen allele CA16029346.
Genomic context (GRCh38, chr5:112,839,242, plus strand): 5'-ATTCTCAAAGAGTTCATCTGGACAAAGCAGTAAAACCGAACATATGTCTTCAAGCAGTGA[G>T]AATACGTCCACACCTTCATCTAATGCCAAGAGGCAGAATCAGCTCCATCCAAGTTCTGCA-3'
Protein context (NP_000029.2, residues 1206-1226): SKTEHMSSSS[Glu1216Asp]NTSTPSSNAK